The following is an entry in ClinVar:

ClinVar aggregate classification (germline): Benign (1 of 4 stars; one submission).

Allele frequency attached by ClinVar (database versions not stated): 1000 Genomes Project 0.00060; 1000 Genomes Project 30x 0.00062; gnomAD 0.00063; TOPMed 0.00067; ExAC 0.00094; gnomAD exomes 0.00106; ESP Exome Variant Server 0.00164.
gnomAD v4.1: 1,643 of 1,611,724 alleles (0.1%); highest among the groups gnomAD compares: Non-Finnish European, 0.13%; 2 homozygotes.

Submission:

CeGaT Center for Human Genetics Tuebingen
Classification: Benign. Last evaluated: 2026-02-01. Review status: criteria provided, single submitter. Criteria: CeGaT Center For Human Genetics Tuebingen Variant Classification Criteria Version 2. Collection method: clinical testing. Allele origin: germline. Affected: yes. Observed: 3 variant alleles.
Comment: TENM4: PP3, BS1, BS2

NM_001098816.3(TENM4):c.5395A>C (p.Asn1799His)

Gene: TENM4 (teneurin transmembrane protein 4; minus strand). Cytogenetic location: 11q14.1.
Variant type: single nucleotide variant.
Coding change: c.5395A>C on transcript NM_001098816.3 (MANE Select); coding-DNA position 5395, A replaced by C.
Protein change: p.Asn1799His; replaces asparagine 1799 with histidine.
Molecular consequence: missense variant.
Genome position (GRCh38, 1-based): chr11:78,676,253, T>G on the plus strand (A>C on the coding strand, the complement: TENM4 is on the minus strand). VCF-style: chr11-78676253-T-G. GRCh37 (hg19) VCF-style: chr11-78387298-T-G.
Other names: short protein forms N1799H.
Identifiers: ClinVar variation 2642215 (VCV002642215.24), dbSNP rs200327703, ClinGen allele CA6206626.
Genomic context (GRCh38, chr11:78,676,253, plus strand): 5'-GCTCTTTGCGCTGGCGCCACTCCACCAGGTTGAGGCCGTTGTCGATGGGCAGCGTGACAT[T>G]CCTCTTGCCCACGGTGGGGTTGACGGTGCCAGCCAGCAAGTGGGGCTCAGTCTGCAGCGC-3'
Protein context (NP_001092286.2, residues 1789-1809): GTVNPTVGKR[Asn1799His]VTLPIDNGLN